The following is an entry in ClinVar:

ClinVar aggregate classification (germline): Likely pathogenic (1 of 4 stars; one submission).

Conditions:
Niemann-Pick disease, type A. Also called: Infantile Neurovisceral ASMD (Niemann-Pick Disease Type A; NPD-A); SPHINGOMYELIN LIPIDOSIS; SPHINGOMYELINASE DEFICIENCY. Identifiers: Orphanet 77292, MedGen C0268242, MONDO:0009756, OMIM 257200. Disease mechanism: loss of function.
Niemann-Pick disease, type B. Also called: Chronic Visceral ASMD (Niemann-Pick Disease Type B; NPD-B). Identifiers: Orphanet 77293, MedGen C0268243, MONDO:0011871, OMIM 607616. Disease mechanism: loss of function.

Submission:

Labcorp Genetics (formerly Invitae), Labcorp
Classification: Likely pathogenic for Niemann-Pick disease, type B; Niemann-Pick disease, type A. Last evaluated: 2021-10-13. Review status: criteria provided, single submitter. Criteria: Invitae Variant Classification Sherloc (09022015). Collection method: clinical testing. Allele origin: germline.
Comment: This sequence change replaces leucine with histidine at codon 204 of the SMPD1 protein (p.Leu204His). The leucine residue is highly conserved and there is a moderate physicochemical difference between leucine and histidine. This variant is not present in population databases (ExAC no frequency). This missense change has been observed in individual(s) with clinical features of ASM deficiency (Invitae). In at least one individual the data is consistent with the variant being in trans (on the opposite chromosome) from a pathogenic variant. Advanced modeling of protein sequence and biophysical properties (such as structural, functional, and spatial information, amino acid conservation, physicochemical variation, residue mobility, and thermodynamic stability) performed at Invitae indicates that this missense variant is expected to disrupt SMPD1 protein function. In summary, the currently available evidence indicates that the variant is pathogenic, but additional data are needed to prove that conclusively. Therefore, this variant has been classified as Likely Pathogenic.

NM_000543.5(SMPD1):c.611T>A (p.Leu204His)

Gene: SMPD1 (sphingomyelin phosphodiesterase 1; plus strand). Cytogenetic location: 11p15.4.
Variant type: single nucleotide variant.
Coding change: c.611T>A on transcript NM_000543.5 (MANE Select); coding-DNA position 611, T replaced by A.
Protein change: p.Leu204His; replaces leucine 204 with histidine.
Molecular consequence: missense variant. On other transcripts: 5 prime UTR variant (1), non-coding transcript variant (1).
Genome position (GRCh38, 1-based): chr11:6,391,676, T>A. VCF-style: chr11-6391676-T-A. GRCh37 (hg19) VCF-style: chr11-6412906-T-A.
Other names: c.608T>A, p.Leu203His (NM_001007593.3); c.611T>A, p.Leu204His (NM_001318087.2, NM_001365135.2); c.-351T>A (NM_001318088.2); short protein forms L203H, L204H.
Identifiers: ClinVar variation 1479787 (VCV001479787.6), dbSNP rs2134010621, ClinGen allele CA379370312.
Genomic context (GRCh38, chr11:6,391,676, plus strand): 5'-CGAAGCCGCCCCCCAAACCCCCTAGCCCCCCAGCCCCAGGTGCCCCTGTCAGCCGCATCC[T>A]CTTCCTCACTGACCTGCACTGGGATCATGACTACCTGGAGGGCACGGACCCTGACTGTGC-3'
Protein context (NP_000534.3, residues 194-214): PAPGAPVSRI[Leu204His]FLTDLHWDHD